The following is an entry in ClinVar:

ClinVar aggregate classification (germline): Likely pathogenic (1 of 4 stars; one submission).

Conditions:
Multicentric carpo-tarsal osteolysis with or without nephropathy. Also called: MULTICENTRIC OSTEOLYSIS, AUTOSOMAL DOMINANT; Multicentric Osteolysis of Carpal Bones and Nephropathy; OSTEOLYSIS, HEREDITARY, OF CARPAL BONES WITH OR WITHOUT NEPHROPATHY; MULTICENTRIC CARPOTARSAL OSTEOLYSIS SYNDROME; Carnevale Canun Mendoza syndrome; Multicentric Carpotarsal Osteolysis with or without Nephropathy. Identifiers: Orphanet 2774, MedGen C2674705, MONDO:0008152, OMIM 166300.

Submission:

Broad Center for Mendelian Genomics, Broad Institute of MIT and Harvard
Classification: Likely pathogenic for Multicentric carpo-tarsal osteolysis with or without nephropathy. Last evaluated: 2018-12-03. Review status: criteria provided, single submitter. Criteria: ACMG Guidelines, 2015. Collection method: research. Allele origin: de novo. Inheritance: Autosomal dominant inheritance. Affected: yes.
Comment: Trio exome analysis showed this variant to be de novo. This variant was absent from large population studies. Computational prediction tools and conservation analyses suggest that this variant may impact the protein, though this information is not predictive enough to determine pathogenicity. In summary, although additional studies are required to fully establish its clinical significance, the p.Ser66Phe variant is likely pathogenic. ACMG/AMP Criteria applied: PM2, PS2, PP3 (Richards 2015).

NM_005461.5(MAFB):c.197C>T (p.Ser66Phe)

Gene: MAFB (MAF bZIP transcription factor B; minus strand). Cytogenetic location: 20q12.
Variant type: single nucleotide variant.
Coding change: c.197C>T on transcript NM_005461.5 (MANE Select); coding-DNA position 197, C replaced by T.
Protein change: p.Ser66Phe; replaces serine 66 with phenylalanine.
Molecular consequence: missense variant.
Genome position (GRCh38, 1-based): chr20:40,688,654, G>A on the plus strand (C>T on the coding strand, the complement: MAFB is on the minus strand). VCF-style: chr20-40688654-G-A. GRCh37 (hg19) VCF-style: chr20-39317294-G-A.
Other names: short protein forms S66F.
Identifiers: ClinVar variation 813951 (VCV000813951.1), dbSNP rs1600429244, ClinGen allele CA408941689.